The following is an entry in ClinVar:

NM_015231.3(NUP160):c.1730G>A (p.Arg577Gln)

Gene: NUP160 (nucleoporin 160; minus strand). Cytogenetic location: 11p11.2.
Variant type: single nucleotide variant.
Coding change: c.1730G>A on transcript NM_015231.3 (MANE Select); coding-DNA position 1730, G replaced by A.
Protein change: p.Arg577Gln; replaces arginine 577 with glutamine.
Molecular consequence: missense variant. On other transcripts: non-coding transcript variant (1).
Genome position (GRCh38, 1-based): chr11:47,813,002, C>T on the plus strand (G>A on the coding strand, the complement: NUP160 is on the minus strand). VCF-style: chr11-47813002-C-T. GRCh37 (hg19) VCF-style: chr11-47834554-C-T.
Other names: p.Arg611Gln; c.1832G>A (NM_015231.2); short protein forms R577Q.
Identifiers: ClinVar variation 2360526 (VCV002360526.4), dbSNP rs756941369, ClinGen allele CA5981190.

ClinVar aggregate classification (germline): Uncertain significance. Review status: criteria provided, multiple submitters, no conflicts (2 of 4 stars). 2 submissions from 2 submitters: Uncertain significance (2). Last evaluated 2025-08-11.

Allele frequency attached by ClinVar (database versions not stated): gnomAD exomes 0.00001; gnomAD 0.00002; ExAC 0.00003; TOPMed 0.00003.
gnomAD v4.1: 21 of 1,612,336 alleles (0.0013%); highest among the groups gnomAD compares: Admixed American, 0.0083%; no homozygotes.

Submissions (2):

Ambry Genetics
Classification: Uncertain significance. Last evaluated: 2025-08-11. Review status: criteria provided, single submitter. Criteria: Ambry Variant Classification Scheme 2023. Collection method: clinical testing. Allele origin: germline.

Mayo Clinic Laboratories, Mayo Clinic
Classification: Uncertain significance. Last evaluated: 2024-02-09. Review status: criteria provided, single submitter. Criteria: ACMG Guidelines, 2015. Collection method: clinical testing. Allele origin: germline. Observed: 1 variant allele.
Comment: BP4